The following is an entry in ClinVar:

NM_004984.4(KIF5A):c.1716+2T>C

Gene: KIF5A (kinesin family member 5A; plus strand). Cytogenetic location: 12q13.3.
Variant type: single nucleotide variant.
Coding change: c.1716+2T>C on transcript NM_004984.4 (MANE Select); the canonical splice donor site of the intron after coding-DNA position 1716, T replaced by C.
Molecular consequence: splice donor variant.
Genome position (GRCh38, 1-based): chr12:57,572,728, T>C. VCF-style: chr12-57572728-T-C. GRCh37 (hg19) VCF-style: chr12-57966511-T-C.
Other names: c.1449+2T>C (NM_001354705.2).
Identifiers: ClinVar variation 3663275 (VCV003663275.2).
Genomic context (GRCh38, chr12:57,572,728, plus strand): 5'-GGCTGATGAAGGATCTGAGCGAGTTCAGTGTCATTGTGGGCAACGGGGAGATTAAGCTGG[T>C]GAGTGGTGAGAGACAGCAGCCTTGTTCAGGCTGGGCACTAGTGGAAGACGCAAGATGAGC-3'

ClinVar aggregate classification (germline): Likely pathogenic (1 of 4 stars; one submission).

Conditions:
Spastic paraplegia. Identifiers: MedGen C0037772, HP:0001258.

Submission:

Labcorp Genetics (formerly Invitae), Labcorp
Classification: Likely pathogenic for Spastic paraplegia. Last evaluated: 2024-08-22. Review status: criteria provided, single submitter. Criteria: Invitae Variant Classification Sherloc (09022015). Collection method: clinical testing. Allele origin: germline.
Comment: This sequence change affects a donor splice site in intron 15 of the KIF5A gene. It is expected to disrupt RNA splicing. Variants that disrupt the donor or acceptor splice site typically lead to a loss of protein function (PMID: 16199547), and loss-of-function variants in KIF5A are known to be pathogenic (PMID: 26374131). This variant is not present in population databases (gnomAD no frequency). This variant has not been reported in the literature in individuals affected with KIF5A-related conditions. Algorithms developed to predict the effect of sequence changes on RNA splicing suggest that this variant may disrupt the consensus splice site. In summary, the currently available evidence indicates that the variant is pathogenic, but additional data are needed to prove that conclusively. Therefore, this variant has been classified as Likely Pathogenic.

Literature cited by the submitters: PubMed 16199547; PubMed 26374131.